The following is an entry in ClinVar:

ClinVar aggregate classification (germline): Uncertain significance. Review status: criteria provided, multiple submitters, no conflicts (2 of 4 stars). 2 submissions from 2 submitters: Uncertain significance (2). Last evaluated 2022-08-16.

Allele frequency attached by ClinVar (database versions not stated): gnomAD exomes 0.00001.
gnomAD v4.1: 11 of 1,613,986 alleles (0.00068%); highest among the groups gnomAD compares: South Asian, 0.0011%; no homozygotes.

Submissions (2):

Labcorp Genetics (formerly Invitae), Labcorp
Classification: Uncertain significance. Last evaluated: 2022-08-16. Review status: criteria provided, single submitter. Criteria: Invitae Variant Classification Sherloc (09022015). Collection method: clinical testing. Allele origin: germline.
Comment: In summary, the available evidence is currently insufficient to determine the role of this variant in disease. Therefore, it has been classified as a Variant of Uncertain Significance. Algorithms developed to predict the effect of missense changes on protein structure and function output the following: SIFT: "Tolerated"; PolyPhen-2: "Benign"; Align-GVGD: "Class C0". The histidine amino acid residue is found in multiple mammalian species, which suggests that this missense change does not adversely affect protein function. ClinVar contains an entry for this variant (Variation ID: 1486572). This variant has not been reported in the literature in individuals affected with VCAN-related conditions. This variant is not present in population databases (gnomAD no frequency). This sequence change replaces tyrosine, which is neutral and polar, with histidine, which is basic and polar, at codon 639 of the VCAN protein (p.Tyr639His).

Blueprint Genetics
Classification: Uncertain significance. Last evaluated: 2019-01-04. Review status: criteria provided, single submitter. Criteria: ACMG Guidelines, 2015. Collection method: clinical testing. Allele origin: germline.

NM_004385.5(VCAN):c.1915T>C (p.Tyr639His)

Gene: VCAN (versican; plus strand). Cytogenetic location: 5q14.3.
Variant type: single nucleotide variant.
Coding change: c.1915T>C on transcript NM_004385.5 (MANE Select); coding-DNA position 1915, T replaced by C.
Protein change: p.Tyr639His; replaces tyrosine 639 with histidine.
Molecular consequence: missense variant. On other transcripts: intron variant (2).
Genome position (GRCh38, 1-based): chr5:83,520,221, T>C. VCF-style: chr5-83520221-T-C. GRCh37 (hg19) VCF-style: chr5-82816040-T-C.
Other names: c.1915T>C, p.Tyr639His (NM_001164098.2); c.1042+7825T>C (NM_001164097.2, NM_001126336.3); short protein forms Y639H.
Identifiers: ClinVar variation 1486572 (VCV001486572.7), dbSNP rs2112408520, ClinGen allele CA360302147.